The following is an entry in ClinVar:

NM_001018115.3(FANCD2):c.3416T>C (p.Met1139Thr)

Genes: FANCD2 (FA complementation group D2; plus strand), FANCD2OS (FANCD2 opposite strand; minus strand). Cytogenetic location: 3p25.3.
Variant type: single nucleotide variant.
Coding change: c.3416T>C on transcript NM_001018115.3 (MANE Select); coding-DNA position 3416, T replaced by C.
Protein change: p.Met1139Thr; replaces methionine 1139 with threonine.
Molecular consequence: missense variant. On other transcripts: intron variant (1).
Genome position (GRCh38, 1-based): chr3:10,087,214, T>C. VCF-style: chr3-10087214-T-C. GRCh37 (hg19) VCF-style: chr3-10128898-T-C.
Other names: c.3416T>C, p.Met1139Thr (NM_001319984.2, NM_001374254.1, NM_033084.6); c.3305T>C, p.Met1102Thr (NM_001374253.1); c.*44-5683A>G (NM_173472.2); short protein forms M1102T, M1139T.
Identifiers: ClinVar variation 1411701 (VCV001411701.7), dbSNP rs755205321, ClinGen allele CA2250376.

ClinVar aggregate classification (germline): Uncertain significance. Review status: criteria provided, multiple submitters, no conflicts (2 of 4 stars). 2 submissions from 2 submitters: Uncertain significance (2). Last evaluated 2025-11-28.

Conditions:
Fanconi anemia (FA). Also called: Fanconi's anemia. Identifiers: Orphanet 84, MedGen C0015625, MeSH D005199, MONDO:0019391.
Inborn genetic diseases. Identifiers: MedGen C0950123, MeSH D030342.

Allele frequency attached by ClinVar (database versions not stated): gnomAD exomes 0.00001 and 0.00003; TOPMed 0.00001; ExAC 0.00005; gnomAD 0.00001.
gnomAD v4.1: 22 of 1,613,868 alleles (0.0014%); highest among the groups gnomAD compares: Middle Eastern, 0.033%; no homozygotes.

Submissions (2):

Labcorp Genetics (formerly Invitae), Labcorp
Classification: Uncertain significance for Fanconi anemia. Last evaluated: 2025-11-28. Review status: criteria provided, single submitter. Criteria: Invitae Variant Classification Sherloc (09022015). Collection method: clinical testing. Allele origin: germline.
Comment: This sequence change replaces methionine, which is neutral and non-polar, with threonine, which is neutral and polar, at codon 1139 of the FANCD2 protein (p.Met1139Thr). This variant is present in population databases (rs755205321, gnomAD 0.01%). This variant has not been reported in the literature in individuals affected with FANCD2-related conditions. ClinVar contains an entry for this variant (Variation ID: 1411701). Invitae Evidence Modeling of protein sequence and biophysical properties (such as structural, functional, and spatial information, amino acid conservation, physicochemical variation, residue mobility, and thermodynamic stability) indicates that this missense variant is not expected to disrupt FANCD2 protein function with a negative predictive value of 80%. In summary, the available evidence is currently insufficient to determine the role of this variant in disease. Therefore, it has been classified as a Variant of Uncertain Significance.

Ambry Genetics
Classification: Uncertain significance for Inborn genetic diseases. Last evaluated: 2022-04-06. Review status: criteria provided, single submitter. Criteria: Ambry Variant Classification Scheme 2023. Collection method: clinical testing. Allele origin: germline.